The following is an entry in ClinVar:

ClinVar aggregate classification (germline): Uncertain significance. Review status: criteria provided, multiple submitters, no conflicts (2 of 4 stars). 2 submissions from 2 submitters: Uncertain significance (2). Last evaluated 2025-09-08.

Conditions:
Ataxia-telangiectasia syndrome (AT). Also called: Ataxia telangiectasia (A-T); LOUIS-BAR SYNDROME; Cerebello-oculocutaneous telangiectasia; Immunodeficiency with ataxia telangiectasia; Ataxia-telangiectasia, complementation group D; AT, COMPLEMENTATION GROUP C. Identifiers: Orphanet 100, MedGen C0004135, MONDO:0008840, OMIM 208900.
Hereditary cancer-predisposing syndrome. Also called: Hereditary neoplastic syndrome; Neoplastic Syndromes, Hereditary; Tumor predisposition; Hereditary Cancer Syndrome. Identifiers: Orphanet 140162, MedGen C0027672, MeSH D009386, MONDO:0015356.

Submissions (2):

Ambry Genetics
Classification: Uncertain significance for Hereditary cancer-predisposing syndrome. Last evaluated: 2025-09-08. Review status: criteria provided, single submitter. Criteria: Ambry Variant Classification Scheme 2023. Collection method: clinical testing. Allele origin: germline.
Comment: The p.D2959N variant (also known as c.8875G>A), located in coding exon 61 of the ATM gene, results from a G to A substitution at nucleotide position 8875. The aspartic acid at codon 2959 is replaced by asparagine, an amino acid with highly similar properties. This amino acid position is highly conserved in available vertebrate species. In addition, this alteration is predicted to be tolerated by in silico analysis. Since supporting evidence is limited at this time, the clinical significance of this alteration remains unclear.

Labcorp Genetics (formerly Invitae), Labcorp
Classification: Uncertain significance for Ataxia-telangiectasia syndrome. Last evaluated: 2023-03-10. Review status: criteria provided, single submitter. Criteria: Invitae Variant Classification Sherloc (09022015). Collection method: clinical testing. Allele origin: germline.
Comment: In summary, the available evidence is currently insufficient to determine the role of this variant in disease. Therefore, it has been classified as a Variant of Uncertain Significance. An algorithm developed to predict the effect of missense changes on protein structure and function (PolyPhen-2) suggests that this variant is likely to be tolerated. This variant is not present in population databases (gnomAD no frequency). ClinVar contains an entry for this variant (Variation ID: 1764951). This variant has not been reported in the literature in individuals affected with ATM-related conditions. This sequence change replaces aspartic acid, which is acidic and polar, with asparagine, which is neutral and polar, at codon 2959 of the ATM protein (p.Asp2959Asn).

NM_000051.4(ATM):c.8875G>A (p.Asp2959Asn)

Genes: ATM (ATM serine/threonine kinase; plus strand), C11orf65 (chromosome 11 open reading frame 65; minus strand). Cytogenetic location: 11q22.3.
Variant type: single nucleotide variant.
Coding change: c.8875G>A on transcript NM_000051.4 (MANE Select); coding-DNA position 8875, G replaced by A.
Protein change: p.Asp2959Asn; replaces aspartic acid 2959 with asparagine.
Molecular consequence: missense variant. On other transcripts: intron variant (2).
Genome position (GRCh38, 1-based): chr11:108,365,106, G>A. VCF-style: chr11-108365106-G-A. GRCh37 (hg19) VCF-style: chr11-108235833-G-A.
Other names: c.8875G>A, p.Asp2959Asn (NM_001351834.2); c.640+20814C>T (NM_001330368.2); c.694+20814C>T (NM_001351110.2); short protein forms D2959N.
Identifiers: ClinVar variation 1764951 (VCV001764951.6), dbSNP rs1400589510, ClinGen allele CA382529634.